The following is an entry in ClinVar:

NM_001351132.2(PEX5):c.1799C>T (p.Ser600Leu)

Gene: PEX5 (peroxisomal biogenesis factor 5; plus strand). Cytogenetic location: 12p13.31.
Variant type: single nucleotide variant.
Coding change: c.1799C>T on transcript NM_001351132.2 (MANE Select); coding-DNA position 1799, C replaced by T.
Protein change: p.Ser600Leu; replaces serine 600 with leucine.
Molecular consequence: missense variant.
Genome position (GRCh38, 1-based): chr12:7,210,102, C>T. VCF-style: chr12-7210102-C-T. GRCh37 (hg19) VCF-style: chr12-7362698-C-T.
Other names: c.1775C>T, p.Ser592Leu (NM_000319.5); c.1844C>T, p.Ser615Leu (NM_001131023.2); c.1688C>T, p.Ser563Leu (NM_001131024.2, NM_001351124.3, NM_001351126.2 and 7 more transcripts); c.1799C>T, p.Ser600Leu (NM_001131025.2, NM_001131026.2, NM_001300789.3 and 4 more transcripts); c.1733C>T, p.Ser578Leu (NM_001351135.3, NM_001351138.2); c.1790C>T, p.Ser597Leu (NM_001351136.2); c.1664C>T, p.Ser555Leu (NM_001351139.2, NM_001351140.2, NM_001374649.2); short protein forms S592L, S600L, S555L, S563L, S615L, S578L, S597L.
Identifiers: ClinVar variation 420777 (VCV000420777.9), dbSNP rs748956654, ClinGen allele CA6426593.

ClinVar aggregate classification (germline): Conflicting classifications of pathogenicity. Review status: criteria provided, conflicting classifications (1 of 4 stars). 4 submissions from 4 submitters: Likely pathogenic (1); Uncertain significance (3). Last evaluated 2025-03-31.

Conditions:
Peroxisome biogenesis disorder 2B (PBD2B). Identifiers: Orphanet 44, MedGen C3550234, MONDO:0008736, OMIM 202370.

Allele frequency attached by ClinVar (database versions not stated): gnomAD exomes below 0.00001 and 0.00001; ExAC 0.00001; TOPMed 0.00001.
gnomAD v4.1: 10 of 1,614,188 alleles (0.00062%); highest among the groups gnomAD compares: South Asian, 0.0011%; no homozygotes.

Submissions (4):

Women's Health and Genetics/Laboratory Corporation of America, LabCorp
Classification: Uncertain significance. Last evaluated: 2025-03-31. Review status: criteria provided, single submitter. Criteria: LabCorp Variant Classification Summary - May 2015. Collection method: clinical testing. Allele origin: germline.
Comment: Variant summary: PEX5 c.1799C>T (p.Ser600Leu) results in a non-conservative amino acid change in the encoded protein sequence. Five of five in-silico tools predict a damaging effect of the variant on protein function. The variant allele was found at a frequency of 4e-06 in 251350 control chromosomes (gnomAD). The available data on variant occurrences in the general population are insufficient to allow any conclusion about variant significance. c.1799C>T has been reported in the literature in individuals affected with Peroxisome Biogenesis Disorders, Zellweger Syndrome Spectrum (Pronicka_2016). These data do not allow any conclusion about variant significance. To our knowledge, no experimental evidence demonstrating an impact on protein function has been reported. The following publication has been ascertained in the context of this evaluation (PMID: 27290639). ClinVar contains an entry for this variant (Variation ID: 420777). Based on the evidence outlined above, the variant was classified as uncertain significance.

Blueprint Genetics
Classification: Uncertain significance. Last evaluated: 2024-11-12. Review status: criteria provided, single submitter. Criteria: ACMG Guidelines, 2015. Collection method: clinical testing. Allele origin: germline.

GeneDx
Classification: Likely pathogenic. Last evaluated: 2023-02-27. Review status: criteria provided, single submitter. Criteria: GeneDx Variant Classification Process June 2021. Collection method: clinical testing. Allele origin: germline. Affected: yes.
Comment: Not observed at significant frequency in large population cohorts (gnomAD); In silico analysis supports that this missense variant has a deleterious effect on protein structure/function; This variant is associated with the following publications: (PMID: 34534157, 27290639, 31597922)

Labcorp Genetics (formerly Invitae), Labcorp
Classification: Uncertain significance for Peroxisome biogenesis disorder 2B. Last evaluated: 2022-07-05. Review status: criteria provided, single submitter. Criteria: Invitae Variant Classification Sherloc (09022015). Collection method: clinical testing. Allele origin: germline.
Comment: This sequence change replaces serine, which is neutral and polar, with leucine, which is neutral and non-polar, at codon 600 of the PEX5 protein (p.Ser600Leu). This variant is present in population databases (rs748956654, gnomAD 0.0009%). This missense change has been observed in individual(s) with clinical features of PEX5-related conditions (PMID: 27290639). ClinVar contains an entry for this variant (Variation ID: 420777). Algorithms developed to predict the effect of missense changes on protein structure and function are either unavailable or do not agree on the potential impact of this missense change (SIFT: "Deleterious"; PolyPhen-2: "Probably Damaging"; Align-GVGD: "Class C0"). In summary, the available evidence is currently insufficient to determine the role of this variant in disease. Therefore, it has been classified as a Variant of Uncertain Significance.

Literature cited by the submitters: PubMed 27290639 (cited by Women's Health and Genetics/Laboratory Corporation of America, LabCorp and Labcorp Genetics (formerly Invitae), Labcorp).